The following is an entry in ClinVar:

NM_015295.3(SMCHD1):c.3886C>T (p.Gln1296Ter)

Gene: SMCHD1 (structural maintenance of chromosomes flexible hinge domain containing 1; plus strand). Cytogenetic location: 18p11.32.
Variant type: single nucleotide variant.
Coding change: c.3886C>T on transcript NM_015295.3 (MANE Select); coding-DNA position 3886, C replaced by T.
Protein change: p.Gln1296Ter; replaces glutamine 1296 with a stop codon.
Molecular consequence: nonsense.
Genome position (GRCh38, 1-based): chr18:2,747,606, C>T. VCF-style: chr18-2747606-C-T. GRCh37 (hg19) VCF-style: chr18-2747604-C-T.
Other names: short protein forms Q1296*.
Identifiers: ClinVar variation 4813984 (VCV004813984.1).

ClinVar aggregate classification (germline): Pathogenic (1 of 4 stars; one submission).

Conditions:
Facioscapulohumeral muscular dystrophy 2 (FSHD2). Also called: FACIOSCAPULOHUMERAL MUSCULAR DYSTROPHY 2, DIGENIC; FSHD2, DIGENIC; MUSCULAR DYSTROPHY, FACIOSCAPULOHUMERAL, TYPE 1B. Identifiers: Orphanet 269, MedGen C1834671, MONDO:0008031, OMIM 158901.

Submission:

Genetic Diseases Diagnostic Center, Koc University Hospital
Classification: Pathogenic for Facioscapulohumeral muscular dystrophy 2. Last evaluated: 2026-02-20. Review status: criteria provided, single submitter. Criteria: ACMG Guidelines, 2015. Collection method: clinical testing. Allele origin: germline. Inheritance: Autosomal dominant inheritance. Affected: yes.
Comment: No supporting literature was identified for SMCHD1 c.3886C>T (p.Gln1296Ter), a stop-gained variant in exon 30 predicted to introduce a premature termination codon and truncate SMCHD1 at amino acid 1296 (potentially via nonsense-mediated decay). SMCHD1 encodes a large chromatin-associated factor implicated in higher-order chromatin organization and epigenetic repression, including locus-specific DNA methylation and long-range chromatin interactions. Annotation indicates high predicted deleteriousness (CADD = 37.0) and ACMG/AMP-based interpretation has classified this variant as pathogenic, supported by PVS1, PM2, and PP4. Mode of inheritance: Digenic inheritance.